The following is an entry in ClinVar:

NM_001197104.2(KMT2A):c.4010C>T (p.Ser1337Leu)

Gene: KMT2A (lysine methyltransferase 2A; plus strand). Cytogenetic location: 11q23.3.
Variant type: single nucleotide variant.
Coding change: c.4010C>T on transcript NM_001197104.2 (MANE Select); coding-DNA position 4010, C replaced by T.
Protein change: p.Ser1337Leu; replaces serine 1337 with leucine.
Molecular consequence: missense variant.
Genome position (GRCh38, 1-based): chr11:118,482,090, C>T. VCF-style: chr11-118482090-C-T. GRCh37 (hg19) VCF-style: chr11-118352805-C-T.
Other names: c.4109C>T, p.Ser1370Leu (NM_001412597.1); c.4010C>T, p.Ser1337Leu (NM_005933.4); short protein forms S1337L, S1370L.
Identifiers: ClinVar variation 2184904 (VCV002184904.4), dbSNP rs518835, ClinGen allele CA6303759.

ClinVar aggregate classification (germline): Uncertain significance (1 of 4 stars; one submission).

Allele frequency attached by ClinVar (database versions not stated): TOPMed 0.00001; ExAC 0.00002; gnomAD 0.00002; gnomAD exomes 0.00002.
gnomAD v4.1: 28 of 1,603,786 alleles (0.0017%); highest among the groups gnomAD compares: Non-Finnish European, 0.0024%; no homozygotes.

Submission:

Labcorp Genetics (formerly Invitae), Labcorp
Classification: Uncertain significance. Last evaluated: 2024-10-28. Review status: criteria provided, single submitter. Criteria: Invitae Variant Classification Sherloc (09022015). Collection method: clinical testing. Allele origin: germline.
Comment: This sequence change replaces serine, which is neutral and polar, with leucine, which is neutral and non-polar, at codon 1337 of the KMT2A protein (p.Ser1337Leu). This variant is present in population databases (rs518835, gnomAD 0.002%). This variant has not been reported in the literature in individuals affected with KMT2A-related conditions. ClinVar contains an entry for this variant (Variation ID: 2184904). An algorithm developed to predict the effect of missense changes on protein structure and function (PolyPhen-2) suggests that this variant is likely to be tolerated. In summary, the available evidence is currently insufficient to determine the role of this variant in disease. Therefore, it has been classified as a Variant of Uncertain Significance.